The following is an entry in ClinVar:

ClinVar aggregate classification (germline): Uncertain significance. Review status: criteria provided, multiple submitters, no conflicts (2 of 4 stars). 3 submissions from 3 submitters: Uncertain significance (3). Last evaluated 2026-01-21.

Conditions:
Grebe syndrome. Also called: ACROMESOMELIC DYSPLASIA, GREBE TYPE; GREBE DYSPLASIA; ACROMESOMELIC DYSPLASIA 2A. Identifiers: Orphanet 2098, MedGen C0265260, MONDO:0008703, OMIM 200700.
Inborn genetic diseases. Identifiers: MedGen C0950123, MeSH D030342.

Allele frequency attached by ClinVar (database versions not stated): gnomAD 0.00001; gnomAD exomes 0.00001; ExAC 0.00002; TOPMed 0.00002.

Submissions (3):

Labcorp Genetics (formerly Invitae), Labcorp
Classification: Uncertain significance. Last evaluated: 2026-01-21. Review status: criteria provided, single submitter. Criteria: Invitae Variant Classification Sherloc (09022015). Collection method: clinical testing. Allele origin: germline.
Comment: This sequence change replaces arginine, which is basic and polar, with tryptophan, which is neutral and slightly polar, at codon 120 of the GDF5 protein (p.Arg120Trp). This variant is present in population databases (rs768171527, gnomAD 0.006%). This variant has not been reported in the literature in individuals affected with GDF5-related conditions. ClinVar contains an entry for this variant (Variation ID: 3237536). An algorithm developed to predict the effect of missense changes on protein structure and function (PolyPhen-2) suggests that this variant is likely to be tolerated. In summary, the available evidence is currently insufficient to determine the role of this variant in disease. Therefore, it has been classified as a Variant of Uncertain Significance.

Ambry Genetics
Classification: Uncertain significance for Inborn genetic diseases. Last evaluated: 2025-02-20. Review status: criteria provided, single submitter. Criteria: Ambry Variant Classification Scheme 2023. Collection method: clinical testing. Allele origin: germline.

Baylor Genetics
Classification: Uncertain significance for Grebe syndrome. Last evaluated: 2024-03-01. Review status: criteria provided, single submitter. Criteria: ACMG Guidelines, 2015. Collection method: clinical testing. Allele origin: unknown.

NM_000557.5(GDF5):c.358C>T (p.Arg120Trp)

Gene: GDF5 (growth differentiation factor 5; minus strand). Cytogenetic location: 20q11.22.
Variant type: single nucleotide variant.
Coding change: c.358C>T on transcript NM_000557.5 (MANE Select); coding-DNA position 358, C replaced by T.
Protein change: p.Arg120Trp; replaces arginine 120 with tryptophan.
Molecular consequence: missense variant.
Genome position (GRCh38, 1-based): chr20:35,437,571, G>A on the plus strand (C>T on the coding strand, the complement: GDF5 is on the minus strand). VCF-style: chr20-35437571-G-A. GRCh37 (hg19) VCF-style: chr20-34025351-G-A.
Other names: c.358C>T, p.Arg120Trp (NM_001319138.2); c.358C>T (NM_000557.2); short protein forms R120W.
Identifiers: ClinVar variation 3237536 (VCV003237536.3), dbSNP rs768171527.